The following is an entry in ClinVar:

ClinVar aggregate classification (germline): Conflicting classifications of pathogenicity. Review status: criteria provided, conflicting classifications (1 of 4 stars). 2 submissions from 2 submitters: Uncertain significance (1); Likely benign (1). Last evaluated 2025-11-27.

Conditions:
Inborn genetic diseases. Identifiers: MedGen C0950123, MeSH D030342.

Allele frequency attached by ClinVar (database versions not stated): gnomAD 0.00001; gnomAD exomes 0.00002.
gnomAD v4.1: 26 of 1,613,226 alleles (0.0016%); highest among the groups gnomAD compares: Middle Eastern, 0.033%; no homozygotes.

Submissions (2):

Labcorp Genetics (formerly Invitae), Labcorp
Classification: Uncertain significance. Last evaluated: 2025-11-27. Review status: criteria provided, single submitter. Criteria: Invitae Variant Classification Sherloc (09022015). Collection method: clinical testing. Allele origin: germline.
Comment: This sequence change affects codon 422 of the DSG1 mRNA. It is a 'silent' change, meaning that it does not change the encoded amino acid sequence of the DSG1 protein. It affects a nucleotide within the consensus splice site. This variant is present in population databases (no rsID available, gnomAD 0.007%). This variant has not been reported in the literature in individuals affected with DSG1-related conditions. ClinVar contains an entry for this variant (Variation ID: 2969969). Algorithms developed to predict the effect of sequence changes on RNA splicing suggest that this variant is not likely to affect RNA splicing. In summary, the available evidence is currently insufficient to determine the role of this variant in disease. Therefore, it has been classified as a Variant of Uncertain Significance.

Ambry Genetics
Classification: Likely benign for Inborn genetic diseases. Last evaluated: 2024-08-07. Review status: criteria provided, single submitter. Criteria: Ambry Variant Classification Scheme 2023. Collection method: clinical testing. Allele origin: germline.

NM_001942.4(DSG1):c.1266G>A (p.Arg422=)

Gene: DSG1 (desmoglein 1; plus strand). Cytogenetic location: 18q12.1.
Variant type: single nucleotide variant.
Coding change: c.1266G>A on transcript NM_001942.4 (MANE Select); coding-DNA position 1266, G replaced by A.
Protein change: p.Arg422=; no amino-acid change (arginine 422 retained).
Molecular consequence: synonymous variant.
Genome position (GRCh38, 1-based): chr18:31,338,315, G>A. VCF-style: chr18-31338315-G-A. GRCh37 (hg19) VCF-style: chr18-28918278-G-A.
Other names: c.1266G>A (NM_001942.2).
Identifiers: ClinVar variation 2969969 (VCV002969969.4), dbSNP rs989159105, ClinGen allele CA297695339.